The following is an entry in ClinVar:

NM_001363540.2(DOCK4):c.1901A>G (p.Tyr634Cys)

Gene: DOCK4 (dedicator of cytokinesis 4; minus strand). Cytogenetic location: 7q31.1.
Variant type: single nucleotide variant.
Coding change: c.1901A>G on transcript NM_001363540.2 (MANE Select); coding-DNA position 1901, A replaced by G.
Protein change: p.Tyr634Cys; replaces tyrosine 634 with cysteine.
Molecular consequence: missense variant.
Genome position (GRCh38, 1-based): chr7:111,872,294, T>C on the plus strand (A>G on the coding strand, the complement: DOCK4 is on the minus strand). VCF-style: chr7-111872294-T-C. GRCh37 (hg19) VCF-style: chr7-111512350-T-C.
Other names: c.1901A>G, p.Tyr634Cys (NM_014705.4); short protein forms Y634C.
Identifiers: ClinVar variation 3695907 (VCV003695907.2).

ClinVar aggregate classification (germline): Uncertain significance (1 of 4 stars; one submission).

gnomAD v4.1: 1 of 1,559,410 alleles (0.000064%); highest among the groups gnomAD compares: Non-Finnish European, 0.000087%; no homozygotes.

Submission:

Labcorp Genetics (formerly Invitae), Labcorp
Classification: Uncertain significance. Last evaluated: 2024-10-18. Review status: criteria provided, single submitter. Criteria: Invitae Variant Classification Sherloc (09022015). Collection method: clinical testing. Allele origin: germline.
Comment: This sequence change replaces tyrosine, which is neutral and polar, with cysteine, which is neutral and slightly polar, at codon 634 of the DOCK4 protein (p.Tyr634Cys). This variant is not present in population databases (gnomAD no frequency). This variant has not been reported in the literature in individuals affected with DOCK4-related conditions. An algorithm developed to predict the effect of missense changes on protein structure and function (PolyPhen-2) suggests that this variant is likely to be disruptive. In summary, the available evidence is currently insufficient to determine the role of this variant in disease. Therefore, it has been classified as a Variant of Uncertain Significance.